The following is an entry in ClinVar:

ClinVar aggregate classification (germline): Uncertain significance (1 of 4 stars; one submission).

Allele frequency attached by ClinVar (database versions not stated): ExAC 0.00002.
gnomAD v4.1: 2 of 1,613,942 alleles (0.00012%); highest among the groups gnomAD compares: Admixed American, 0.0033%; no homozygotes.

Submission:

Labcorp Genetics (formerly Invitae), Labcorp
Classification: Uncertain significance. Last evaluated: 2023-04-08. Review status: criteria provided, single submitter. Criteria: Invitae Variant Classification Sherloc (09022015). Collection method: clinical testing. Allele origin: germline.
Comment: In summary, the available evidence is currently insufficient to determine the role of this variant in disease. Therefore, it has been classified as a Variant of Uncertain Significance. Variants that disrupt the consensus splice site are a relatively common cause of aberrant splicing (PMID: 17576681, 9536098). Algorithms developed to predict the effect of sequence changes on RNA splicing suggest that this variant is not likely to affect RNA splicing. This variant has not been reported in the literature in individuals affected with GABRB1-related conditions. This variant is present in population databases (rs761080325, gnomAD 0.009%). This sequence change falls in intron 6 of the GABRB1 gene. It does not directly change the encoded amino acid sequence of the GABRB1 protein. It affects a nucleotide within the consensus splice site.

Literature cited by the submitters: PubMed 17576681; PubMed 9536098.

NM_000812.4(GABRB1):c.682+6G>T

Gene: GABRB1 (gamma-aminobutyric acid type A receptor subunit beta1; plus strand). Cytogenetic location: 4p12.
Variant type: single nucleotide variant.
Coding change: c.682+6G>T on transcript NM_000812.4 (MANE Select); 6 bases into the intron after coding-DNA position 682, G replaced by T.
Molecular consequence: intron variant.
Genome position (GRCh38, 1-based): chr4:47,403,461, G>T. VCF-style: chr4-47403461-G-T. GRCh37 (hg19) VCF-style: chr4-47405478-G-T.
Identifiers: ClinVar variation 2996747 (VCV002996747.3), dbSNP rs761080325, ClinGen allele CA2907653.